The following is an entry in ClinVar:

ClinVar aggregate classification (germline): Uncertain significance (1 of 4 stars; one submission).

Conditions:
Cardiovascular phenotype. Identifiers: MedGen CN230736.

Allele frequency attached by ClinVar (database versions not stated): gnomAD 0.00002; TOPMed 0.00002.
gnomAD v4.1: 4 of 1,614,096 alleles (0.00025%); highest among the groups gnomAD compares: Non-Finnish European, 0.00034%; no homozygotes.

Submission:

Ambry Genetics
Classification: Uncertain significance for Cardiovascular phenotype. Last evaluated: 2024-02-08. Review status: criteria provided, single submitter. Criteria: Ambry Variant Classification Scheme 2023. Collection method: clinical testing. Allele origin: germline.
Comment: The c.3860-2A>G intronic variant results from an A to G substitution two nucleotides upstream from coding exon 26 in the MYH6 gene. This nucleotide position is highly conserved in available vertebrate species. In silico splice site analysis predicts that this alteration will weaken the native splice acceptor site. Alterations that disrupt the canonical splice site are expected to cause aberrant splicing, resulting in an abnormal protein or a transcript that is subject to nonsense-mediated mRNA decay. However, loss of function of MYH6 has not been established as a mechanism of disease. Based on the available evidence, the clinical significance of this alteration remains unclear.

NM_002471.4(MYH6):c.3860-2A>G

Gene: MYH6 (myosin heavy chain 6; minus strand). Cytogenetic location: 14q11.2.
Variant type: single nucleotide variant.
Coding change: c.3860-2A>G on transcript NM_002471.4 (MANE Select); the canonical splice acceptor site of the intron before coding-DNA position 3860, A replaced by G.
Molecular consequence: splice acceptor variant.
Genome position (GRCh38, 1-based): chr14:23,389,513, T>C on the plus strand (A>G on the coding strand, the complement: MYH6 is on the minus strand). VCF-style: chr14-23389513-T-C. GRCh37 (hg19) VCF-style: chr14-23858722-T-C.
Identifiers: ClinVar variation 3222337 (VCV003222337.1), dbSNP rs747609177, ClinGen allele CA389003149.
Genomic context (GRCh38, chr14:23,389,513, plus strand): 5'-CCCCCGGGTCAGCTGCGAGATTAGCGCCTCCTTTTCCTCTAGCTGCCGGGCCAACTCTCC[T>C]GGAGGTGAAATGAGGGGCTTGTGGGCCATTTCACAAGTCATGTCCTGCCCTAGGCAGGGG-3'